The following is an entry in ClinVar:

ClinVar aggregate classification (germline): Uncertain significance (1 of 4 stars; one submission).

Conditions:
Hyperphosphatasia with impaired intellectual development syndrome 2. Also called: Hyperphosphatasia with intellectual disability syndrome 2; GLYCOSYLPHOSPHATIDYLINOSITOL BIOSYNTHESIS DEFECT 6. Identifiers: Orphanet 247262, MedGen C3553637, MONDO:0013882, OMIM 614749.

Allele frequency attached by ClinVar (database versions not stated): ESP Exome Variant Server 0.00008; gnomAD exomes 0.00001 and below 0.00001; TOPMed 0.00002; ExAC 0.00001.
gnomAD v4.1: 3 of 1,614,068 alleles (0.00019%); highest among the groups gnomAD compares: African/African-American, 0.0027%; no homozygotes.

Submission:

Labcorp Genetics (formerly Invitae), Labcorp
Classification: Uncertain significance for Hyperphosphatasia with impaired intellectual development syndrome 2. Last evaluated: 2021-08-27. Review status: criteria provided, single submitter. Criteria: Invitae Variant Classification Sherloc (09022015). Collection method: clinical testing. Allele origin: germline.
Comment: This sequence change replaces glycine with arginine at codon 829 of the PIGO protein (p.Gly829Arg). The glycine residue is moderately conserved and there is a moderate physicochemical difference between glycine and arginine. This variant is present in population databases (rs149950408, ExAC 0.002%). This variant has not been reported in the literature in individuals affected with PIGO-related conditions. Algorithms developed to predict the effect of missense changes on protein structure and function are either unavailable or do not agree on the potential impact of this missense change (SIFT: "Deleterious"; PolyPhen-2: "Probably Damaging"; Align-GVGD: "Class C0"). In summary, the available evidence is currently insufficient to determine the role of this variant in disease. Therefore, it has been classified as a Variant of Uncertain Significance.

NM_032634.4(PIGO):c.2485G>A (p.Gly829Arg)

Gene: PIGO (phosphatidylinositol glycan anchor biosynthesis class O; minus strand). Cytogenetic location: 9p13.3.
Variant type: single nucleotide variant.
Coding change: c.2485G>A on transcript NM_032634.4 (MANE Select); coding-DNA position 2485, G replaced by A.
Protein change: p.Gly829Arg; replaces glycine 829 with arginine.
Molecular consequence: missense variant. On other transcripts: intron variant (2).
Genome position (GRCh38, 1-based): chr9:35,091,402, C>T on the plus strand (G>A on the coding strand, the complement: PIGO is on the minus strand). VCF-style: chr9-35091402-C-T. GRCh37 (hg19) VCF-style: chr9-35091399-C-T.
Other names: c.1345-111G>A (NM_152850.4, NM_001201484.2); short protein forms G829R.
Identifiers: ClinVar variation 838506 (VCV000838506.7), dbSNP rs149950408, ClinGen allele CA5040406.
Genomic context (GRCh38, chr9:35,091,402, plus strand): 5'-GCAGAAGTGGGAAGGCCAACAGGGTGAGGGCTGTGACCATAGCAGCTGAGTAGACACTCC[C>T]CAACTGATAAGCAGCCACAGTCAGGGGACCCTGAGATTTGGTCCTCTCTAACCGGCCCCG-3'
Protein context (NP_116023.2, residues 819-839): GPLTVAAYQL[Gly829Arg]SVYSAAMVTA